The following is an entry in ClinVar:

NM_005765.3(ATP6AP2):c.796G>T (p.Val266Phe)

Gene: ATP6AP2 (ATPase H+ transporting accessory protein 2; plus strand). Cytogenetic location: Xp11.4.
Variant type: single nucleotide variant.
Coding change: c.796G>T on transcript NM_005765.3 (MANE Select); coding-DNA position 796, G replaced by T.
Protein change: p.Val266Phe; replaces valine 266 with phenylalanine.
Molecular consequence: missense variant.
Genome position (GRCh38, 1-based): chrX:40,600,819, G>T. VCF-style: chrX-40600819-G-T. GRCh37 (hg19) VCF-style: chrX-40460071-G-T.
Other names: short protein forms V266F.
Identifiers: ClinVar variation 5008848 (VCV005008848.1).

ClinVar aggregate classification (germline): Uncertain significance (1 of 4 stars; one submission).

Submission:

GeneDx
Classification: Uncertain significance. Last evaluated: 2026-03-12. Review status: criteria provided, single submitter. Criteria: GeneDx Variant Classification Process June 2021. Collection method: clinical testing. Allele origin: germline.
Comment: Not observed at significant frequency in large population cohorts (gnomAD); In silico analysis suggests that this missense variant does not alter protein structure/function; Has not been previously published as pathogenic or benign to our knowledge